The following is an entry in ClinVar:

ClinVar aggregate classification (germline): Conflicting classifications of pathogenicity. Review status: criteria provided, conflicting classifications (1 of 4 stars). 3 submissions from 3 submitters: Uncertain significance (2); Likely benign (1). Last evaluated 2026-08-10.

Conditions:
Fanconi anemia complementation group D2. Also called: FANCD2-Related Fanconi Anemia; FANCONI PANCYTOPENIA, TYPE 4; FANCONI ANEMIA, COMPLEMENTATION GROUP D. Identifiers: Orphanet 84, MedGen C3160738, MONDO:0009214, OMIM 227646.
Fanconi anemia (FA). Also called: Fanconi's anemia. Identifiers: Orphanet 84, MedGen C0015625, MeSH D005199, MONDO:0019391.

Allele frequency attached by ClinVar (database versions not stated): ExAC 0.00001; gnomAD exomes 0.00007 and 0.00004.
gnomAD v4.1: 96 of 1,612,274 alleles (0.006%); highest among the groups gnomAD compares: Non-Finnish European, 0.0081%; no homozygotes.

Submissions (3):

GeneDx
Classification: Uncertain significance. Last evaluated: 2026-08-10. Review status: criteria provided, single submitter. Criteria: GeneDx Variant Classification Process June 2021. Collection method: clinical testing. Allele origin: germline.
Comment: Has not been previously published as pathogenic or benign to our knowledge; In silico analysis is inconclusive as to whether the variant alters gene splicing. In the absence of RNA/functional studies, the actual effect of this sequence change is unknown.

Labcorp Genetics (formerly Invitae), Labcorp
Classification: Likely benign for Fanconi anemia. Last evaluated: 2024-06-05. Review status: criteria provided, single submitter. Criteria: Invitae Variant Classification Sherloc (09022015). Collection method: clinical testing. Allele origin: germline.

Fulgent Genetics
Classification: Uncertain significance for Fanconi anemia complementation group D2. Last evaluated: 2021-11-05. Review status: criteria provided, single submitter. Criteria: ACMG Guidelines, 2015. Collection method: clinical testing. Allele origin: unknown.

NM_001018115.3(FANCD2):c.3106-13T>G

Genes: FANCD2 (FA complementation group D2; plus strand), FANCD2OS (FANCD2 opposite strand; minus strand). Cytogenetic location: 3p25.3.
Variant type: single nucleotide variant.
Coding change: c.3106-13T>G on transcript NM_001018115.3 (MANE Select); 13 bases into the intron before coding-DNA position 3106, T replaced by G.
Molecular consequence: intron variant. On other transcripts: 3 prime UTR variant (1).
Genome position (GRCh38, 1-based): chr3:10,081,333, T>G. VCF-style: chr3-10081333-T-G. GRCh37 (hg19) VCF-style: chr3-10123017-T-G.
Other names: c.*242A>C (NM_173472.2); c.3106-13T>G (NM_001319984.2, NM_033084.6, NM_001374254.1); c.2995-13T>G (NM_001374253.1).
Identifiers: ClinVar variation 1513581 (VCV001513581.11), dbSNP rs759732362, ClinGen allele CA2250284.